The following is an entry in ClinVar:

NM_015472.6(WWTR1):c.485C>T (p.Pro162Leu)

Gene: WWTR1 (WW domain containing transcription regulator 1; minus strand). Cytogenetic location: 3q25.1.
Variant type: single nucleotide variant.
Coding change: c.485C>T on transcript NM_015472.6 (MANE Select); coding-DNA position 485, C replaced by T.
Protein change: p.Pro162Leu; replaces proline 162 with leucine.
Molecular consequence: missense variant.
Genome position (GRCh38, 1-based): chr3:149,572,947, G>A on the plus strand (C>T on the coding strand, the complement: WWTR1 is on the minus strand). VCF-style: chr3-149572947-G-A. GRCh37 (hg19) VCF-style: chr3-149290734-G-A.
Other names: c.485C>T (NM_015472.4); c.485C>T, p.Pro162Leu (NM_001168278.3, NM_001168280.3, NM_001348362.2); short protein forms P162L.
Identifiers: ClinVar variation 2654221 (VCV002654221.25), dbSNP rs2473196252, ClinGen allele CA355010594.

ClinVar aggregate classification (germline): Uncertain significance. Review status: criteria provided, multiple submitters, no conflicts (2 of 4 stars). 2 submissions from 2 submitters: Uncertain significance (2). Last evaluated 2025-08-26.

Allele frequency attached by ClinVar (database versions not stated): gnomAD exomes below 0.00001.
gnomAD v4.1: 1 of 1,613,450 alleles (0.000062%); highest among the groups gnomAD compares: Non-Finnish European, 0.000085%; no homozygotes.

Submissions (2):

Ambry Genetics
Classification: Uncertain significance. Last evaluated: 2025-08-26. Review status: criteria provided, single submitter. Criteria: Ambry Variant Classification Scheme 2023. Collection method: clinical testing. Allele origin: germline.

CeGaT Center for Human Genetics Tuebingen
Classification: Uncertain significance. Last evaluated: 2022-10-01. Review status: criteria provided, single submitter. Criteria: CeGaT Center For Human Genetics Tuebingen Variant Classification Criteria Version 2. Collection method: clinical testing. Allele origin: germline. Affected: yes. Observed: 1 variant allele.
Comment: WWTR1: PM2, BP4